The following is an entry in ClinVar:

NM_001042492.3(NF1):c.8269_8293dup (p.Ala2765fs)

Gene: NF1 (neurofibromin 1; plus strand). Cytogenetic location: 17q11.2.
Variant type: Duplication.
Coding change: c.8269_8293dup on transcript NM_001042492.3 (MANE Select); coding-DNA positions 8269 to 8293, 25 bases duplicated (ACTCCCACATCTCCTTACCCTCCTG).
Protein change: p.Ala2765fs; shifts the reading frame from alanine 2765.
Molecular consequence: frameshift variant.
Genome position (GRCh38, 1-based): chr17:31,360,595-31,360,619, ACTCCCACATCTCCTTACCCTCCTG duplicated; duplicating any 25 consecutive bases within chr17:31,360,587-31,360,619 gives the same sequence; the c. name uses the placement nearest the transcript's 3' end. VCF-style (leftmost placement, unchanged base first): chr17-31360586-T-TCCCTCCTGACTCCCACATCTCCTTA. GRCh37 (hg19) VCF-style: chr17-29687604-T-TCCCTCCTGACTCCCACATCTCCTTA.
Other names: c.8206_8230dup, p.Ala2744Aspfs (NM_000267.4); short protein forms A2765fs, A2744fs.
Identifiers: ClinVar variation 1464013 (VCV001464013.8), dbSNP rs2151587957, ClinGen allele CA2573153468.

ClinVar aggregate classification (germline): Uncertain significance (1 of 4 stars; one submission).

Conditions:
Neurofibromatosis, type 1 (NF1). Also called: NEUROFIBROMATOSIS, TYPE I, SOMATIC; VON RECKLINGHAUSEN DISEASE; Peripheral type neurofibromatosis; Neurofibromatosis, type I. Identifiers: Orphanet 636, MedGen C0027831, MONDO:0018975, OMIM 162200. Disease mechanism: loss of function.

Submission:

Labcorp Genetics (formerly Invitae), Labcorp
Classification: Uncertain significance for Neurofibromatosis, type 1. Last evaluated: 2025-04-11. Review status: criteria provided, single submitter. Criteria: Invitae Variant Classification Sherloc (09022015). Collection method: clinical testing. Allele origin: germline.
Comment: This sequence change creates a premature translational stop signal (p.Ala2744Aspfs*15) in the NF1 gene. While this is not anticipated to result in nonsense mediated decay, it is expected to disrupt the last 75 amino acid(s) of the NF1 protein. This variant is not present in population databases (gnomAD no frequency). This variant has not been reported in the literature in individuals affected with NF1-related conditions. ClinVar contains an entry for this variant (Variation ID: 1464013). Experimental studies and prediction algorithms are not available or were not evaluated, and the functional significance of this variant is currently unknown. In summary, the available evidence is currently insufficient to determine the role of this variant in disease. Therefore, it has been classified as a Variant of Uncertain Significance.